The following is an entry in ClinVar:

ClinVar aggregate classification (germline): Uncertain significance. Review status: reviewed by expert panel (3 of 4 stars). 2 submissions from 2 submitters: Uncertain significance (1). 1 of the submissions does not count toward it. Last evaluated 2026-05-19.

Conditions:
PIK3R1-related immunodeficiency and SHORT syndrome. Identifiers: MedGen CN379774, MONDO:1060136.
SHORT syndrome. Also called: PIK3R1-Related SHORT Syndrome; LIPODYSTROPHY, PARTIAL, WITH RIEGER ANOMALY AND SHORT STATURE; SHORT STATURE, HYPEREXTENSIBILITY, HERNIA, OCULAR DEPRESSION, RIEGER ANOMALY, AND TEETHING DELAY. Identifiers: Orphanet 3163, MedGen C0878684, MONDO:0010026, OMIM 269880.
Immunodeficiency 36 with lymphoproliferation. Also called: ACTIVATED PI3K-DELTA SYNDROME 2; Activated PI3K Delta Syndrome Type 2 (APDS2); Immunodeficiency 36. Identifiers: Orphanet 397596, Orphanet 693681, MedGen C4014934, MONDO:0014453, OMIM 616005.
Agammaglobulinemia 7, autosomal recessive (AGM7). Also called: AGAMMAGLOBULINEMIA, AUTOSOMAL RECESSIVE, DUE TO PIK3R1 DEFECT. Identifiers: MedGen C3554689, MONDO:0014083, OMIM 615214.

Allele frequency attached by ClinVar (database versions not stated): gnomAD exomes below 0.00001; ExAC 0.00001.
gnomAD v4.1: 1 of 1,576,560 alleles (0.000063%); highest among the groups gnomAD compares: South Asian, 0.0012%; no homozygotes.

Submissions (2):

ClinGen Primary Immune Regulatory Disorders Variant Curation Expert Panel, ClinGen
Classification: Uncertain significance for PIK3R1-related immunodeficiency and SHORT syndrome. Last evaluated: 2026-05-19. Review status: reviewed by expert panel. Criteria: ClinGen AbDef ACMG Specifications PIK3R1 V1.0.0. Collection method: curation. Allele origin: germline. Inheritance: Autosomal dominant inheritance.
Comment: The c.1407A>C (p.Glu469Asp) variant in PIK3R1 is a missense variant that causes substitution of glutamate by aspartate at amino acid 469. This variant is present in gnomAD v4.1.0 at a total allele frequency of 0.0000006343, with 1 allele / 1,576,560 total alleles across all populations of gnomAD, which is lower than the ClinGen Antibody Deficiencies VCEP PM2_Supporting threshold of <0.00000132 (PM2_Supporting). This variant has previously been submitted to ClinVar, however, no clinical information is provided about the patient's affected status or clinical features (ClinVar accession #: SCV002296725.4). The computational predictor REVEL gives a score of 0.183, which is below the ClinGen Antibody Deficiencies VCEP threshold of <0.290 and predicts a non-damaging effect on PIK3R1 function. The computational predictor CADD gives a PHRED score of 19.01, which is below the ClinGen Antibody Deficiencies VCEP threshold of <21.5 and predicts a non-deleterious effect on PIK3R1 function. The two predictors agree on a non-damaging effect. Additionally, the splicing impact predictor SpliceAI gives a score of 0.00, which is below the ClinGen Antibody Deficiencies VCEP recommended threshold of <0.1 and does not strongly predict an impact on splicing (BP4). In summary, this variant meets the criteria to be classified as a variant of uncertain significance for autosomal dominant PIK3R1-related immunodeficiency and SHORT syndrome based on the ACMG/AMP criteria applied, as specified by the ClinGen Antibody Deficiencies VCEP: PM2_Supporting and BP4. (VCEP specifications version 1.0.0; date of approval 04/29/2026).

Labcorp Genetics (formerly Invitae), Labcorp
Classification: Uncertain significance for SHORT syndrome; Immunodeficiency 36 with lymphoproliferation; Agammaglobulinemia 7, autosomal recessive. Last evaluated: 2021-09-10. Review status: criteria provided, single submitter. Criteria: Invitae Variant Classification Sherloc (09022015). Collection method: clinical testing. Allele origin: germline. Not counted in ClinVar's aggregate classification.
Comment: In summary, the available evidence is currently insufficient to determine the role of this variant in disease. Therefore, it has been classified as a Variant of Uncertain Significance. Algorithms developed to predict the effect of missense changes on protein structure and function output the following: SIFT: "Tolerated"; PolyPhen-2: "Benign"; Align-GVGD: "Class C0". The aspartic acid amino acid residue is found in multiple mammalian species, which suggests that this missense change does not adversely affect protein function. This variant has not been reported in the literature in individuals affected with PIK3R1-related conditions. This variant is present in population databases (rs747844946, ExAC 0.006%). This sequence change replaces glutamic acid with aspartic acid at codon 469 of the PIK3R1 protein (p.Glu469Asp). The glutamic acid residue is weakly conserved and there is a small physicochemical difference between glutamic acid and aspartic acid.

NM_181523.3(PIK3R1):c.1407A>C (p.Glu469Asp)

Gene: PIK3R1 (phosphoinositide-3-kinase regulatory subunit 1; plus strand). Cytogenetic location: 5q13.1.
Variant type: single nucleotide variant.
Coding change: c.1407A>C on transcript NM_181523.3 (MANE Select); coding-DNA position 1407, A replaced by C.
Protein change: p.Glu469Asp; replaces glutamic acid 469 with aspartic acid.
Molecular consequence: missense variant.
Genome position (GRCh38, 1-based): chr5:68,293,816, A>C. VCF-style: chr5-68293816-A-C. GRCh37 (hg19) VCF-style: chr5-67589644-A-C.
Other names: NM_181523.3(PIK3R1):c.1407A>C; p.Glu469Asp; c.318A>C, p.Glu106Asp (NM_001242466.2); c.597A>C, p.Glu199Asp (NM_181504.4); c.507A>C, p.Glu169Asp (NM_181524.2); short protein forms E169D, E106D, E199D, E469D.
Identifiers: ClinVar variation 1504818 (VCV001504818.7), dbSNP rs747844946, ClinGen allele CA3290375.
Genomic context (GRCh38, chr5:68,293,816, plus strand): 5'-ACATGAATATAACACTCAGTTTCAAGAAAAAAGTCGAGAATATGATAGATTATATGAAGA[A>C]TATACCCGCACATCCCAGGTGAGTTTTCTATGAAAATCAGATTAAAAAATAAGAGTTCTA-3'
Protein context (NP_852664.1, residues 459-479): KSREYDRLYE[Glu469Asp]YTRTSQEIQM